The following is an entry in ClinVar:

ClinVar aggregate classification (germline): Pathogenic (1 of 4 stars; one submission).

Conditions:
Familial cancer of breast. Also called: BREAST CANCER, FAMILIAL; Hereditary breast cancer; hereditary breast carcinoma. Identifiers: Orphanet 227535, MedGen C0346153, MONDO:0016419, OMIM 114480. Disease mechanism: loss of function.

Submission:

Labcorp Genetics (formerly Invitae), Labcorp
Classification: Pathogenic for Familial cancer of breast. Last evaluated: 2017-08-27. Review status: criteria provided, single submitter. Criteria: Invitae Variant Classification Sherloc (09022015). Collection method: clinical testing. Allele origin: germline.
Comment: For these reasons, this variant has been classified as Pathogenic. Loss-of-function variants in CHEK2 are known to be pathogenic (PMID: 21876083, 24713400). This variant has not been reported in the literature in individuals with CHEK2-related disease. This variant is not present in population databases (ExAC no frequency). This sequence change creates a premature translational stop signal (p.Arg482Thrfs*7) in the CHEK2 gene. It is expected to result in an absent or disrupted protein product.

Literature cited by the submitters: PubMed 21876083; PubMed 24713400.

NM_007194.4(CHEK2):c.1443_1444del (p.Arg482fs)

Gene: CHEK2 (checkpoint kinase 2; minus strand). Cytogenetic location: 22q12.1.
Variant type: Deletion.
Coding change: c.1443_1444del on transcript NM_007194.4 (MANE Select); coding-DNA positions 1443 to 1444, 2 bases deleted (AA; older notation c.1443_1444delAA).
Protein change: p.Arg482fs; shifts the reading frame from arginine 482.
Molecular consequence: frameshift variant.
Genome position (GRCh38, 1-based): chr22:28,694,049-28,694,050, TT deleted on the plus strand (AA on the coding strand, the reverse complement: CHEK2 is on the minus strand). VCF-style (leftmost placement, unchanged base first): chr22-28694048-CTT-C. GRCh37 (hg19) VCF-style: chr22-29090036-CTT-C.
Other names: c.1572_1573delAA, p.Arg525Thrfs (NM_001005735.3); c.780_781delAA, p.Arg261Thrfs (NM_001257387.3); c.1242_1243delAA, p.Arg415Thrfs (NM_001349956.3); c.1356_1357delAA, p.Arg453Thrfs (NM_145862.3); short protein forms R261fs, R415fs, R453fs, R482fs, R525fs.
Identifiers: ClinVar variation 530058 (VCV000530058.7), dbSNP rs1555913094, ClinGen allele CA658799505.